The following is an entry in ClinVar:

ClinVar aggregate classification (germline): Uncertain significance (1 of 4 stars; one submission).

Conditions:
DYSF-related disorder. Also called: DYSF-related condition; DYSF-related disorders.

Submission:

3billion
Classification: Uncertain significance for DYSF-related disorder. Last evaluated: 2025-08-06. Review status: criteria provided, single submitter. Criteria: ACMG Guidelines, 2015. Collection method: clinical testing. Allele origin: germline. Affected: yes.
Comment: The variant is not observed in the gnomAD v4.1.0 dataset. Predicted Consequence/Location: Intron variant In silico tools predict the variant to alter splicing and produce an abnormal transcript [SpliceAI: 0.65 (>=0.2, moderate evidence for spliceogenicity)]. The variant has been reported as of uncertain significance (PMID: 39678382). Therefore, this variant is classified as VUS according to the recommendation of ACMG/AMP guideline.

NM_001130987.2(DYSF):c.3496+5G>A

Gene: DYSF (dysferlin; plus strand). Cytogenetic location: 2p13.2.
Variant type: single nucleotide variant.
Coding change: c.3496+5G>A on transcript NM_001130987.2 (MANE Select); 5 bases into the intron after coding-DNA position 3496, G replaced by A.
Molecular consequence: intron variant.
Genome position (GRCh38, 1-based): chr2:71,589,691, G>A. VCF-style: chr2-71589691-G-A. GRCh37 (hg19) VCF-style: chr2-71816821-G-A.
Other names: c.3535+5G>A (NM_001130979.2); c.3493+5G>A (NM_001130981.2, NM_001130980.2); c.3442+5G>A (NM_001130978.2, NM_003494.4); c.3400+5G>A (NM_001130977.2, NM_001130976.2); c.3538+5G>A (NM_001130982.2); c.3496+5G>A (NM_001130985.2); c.3445+5G>A (NM_001130983.2, NM_001130455.2); c.3403+5G>A (NM_001130984.2, NM_001130986.2).
Identifiers: ClinVar variation 4854465 (VCV004854465.1).
Genomic context (GRCh38, chr2:71,589,691, plus strand): 5'-CGTCTCCACCTTGAGCTTCGGTGTGAACAGACCCACGATTTCCTGCATATTCGACTGTAA[G>A]TGAGGCTTCGAGGCCTCTATGGGGTGATAAGGGTGTGTCACCTTATGCTTCTGTTTGGAT-3'